The following is an entry in ClinVar:

ClinVar aggregate classification (germline): Uncertain significance (1 of 4 stars; one submission).

Conditions:
Sialic acid storage disease, severe infantile type (ISSD). Also called: INFANTILE SIALIC ACID STORAGE DISORDER; Infantile Sialic Acid Storage Disease; N-ACETYLNEURAMINIC ACID STORAGE DISEASE; NANA STORAGE DISEASE; SIALURIA, INFANTILE FORM; Free sialic acid storage disease, infantile form. Identifiers: Orphanet 309324, Orphanet 834, MedGen C1096902, MONDO:0010027, OMIM 269920.

Submission:

Neuberg Centre For Genomic Medicine, NCGM
Classification: Uncertain significance for Sialic acid storage disease, severe infantile type. Last evaluated: 2023-05-20. Review status: criteria provided, single submitter. Criteria: ACMG Guidelines, 2015. Collection method: clinical testing. Allele origin: germline. Inheritance: Autosomal recessive inheritance. Affected: yes.
Comment: The observed splice region c.1259+6T>C variant in SLC17A5 gene has not been reported previously as a pathogenic variant nor as a benign variant, to our knowledge. This variant is absent in gnomAD Exomes. This splice region variant in intron 9 affects the position six nucleotides downstream of exon 8. The spliceAI tool predicts that this splice site variant is damaging. This variant is predicted to cause loss of normal protein function through protein truncation. However, since this variant is present in the penultimate exon, functional studies will be required to prove protein truncation. For these reasons, this variant has been classified as Uncertain Significance.

NM_012434.5(SLC17A5):c.1259+6T>C

Gene: SLC17A5 (solute carrier family 17 member 5; minus strand). Cytogenetic location: 6q13.
Variant type: single nucleotide variant.
Coding change: c.1259+6T>C on transcript NM_012434.5 (MANE Select); 6 bases into the intron after coding-DNA position 1259, T replaced by C.
Molecular consequence: intron variant.
Genome position (GRCh38, 1-based): chr6:73,610,394, A>G on the plus strand (T>C on the coding strand, the complement: SLC17A5 is on the minus strand). VCF-style: chr6-73610394-A-G. GRCh37 (hg19) VCF-style: chr6-74320117-A-G.
Other names: c.941+6T>C (NM_001382636.1); c.1028+6T>C (NM_001382629.1); c.1172+6T>C (NM_001382632.1); c.1256+6T>C (NM_001382635.1); c.1100+6T>C (NM_001382634.1); c.1259+6T>C (NM_001382630.1, NM_001382633.1); c.1280+6T>C (NM_001382631.1).
Identifiers: ClinVar variation 3367013 (VCV003367013.1).